The following is an entry in ClinVar:

NM_000089.4(COL1A2):c.655C>T (p.Pro219Ser)

Gene: COL1A2 (collagen type I alpha 2 chain; plus strand). Cytogenetic location: 7q21.3.
Variant type: single nucleotide variant.
Coding change: c.655C>T on transcript NM_000089.4 (MANE Select); coding-DNA position 655, C replaced by T.
Protein change: p.Pro219Ser; replaces proline 219 with serine.
Molecular consequence: missense variant.
Genome position (GRCh38, 1-based): chr7:94,408,198, C>T. VCF-style: chr7-94408198-C-T. GRCh37 (hg19) VCF-style: chr7-94037510-C-T.
Other names: short protein forms P219S.
Identifiers: ClinVar variation 3748724 (VCV003748724.2).

ClinVar aggregate classification (germline): Uncertain significance (1 of 4 stars; one submission).

Conditions:
Ehlers-Danlos syndrome, classic type, 1 (EDSCL1). Also called: EHLERS-DANLOS SYNDROME, GRAVIS TYPE; EHLERS-DANLOS SYNDROME, SEVERE CLASSIC TYPE; Ehlers-Danlos syndrome, type 1; Ehlers-Danlos Syndrome, Classic Type, COL5A1-Related; EDS I. Identifiers: MedGen C0268335, MONDO:0019567, OMIM 130000.
Osteogenesis imperfecta type I (OI1). Also called: OI, TYPE I; OSTEOGENESIS IMPERFECTA TARDA; OSTEOGENESIS IMPERFECTA WITH BLUE SCLERAE; Osteogenesis imperfecta type 1; Lobstein's Disease; Lobstein disease. Identifiers: Orphanet 216796, Orphanet 666, MedGen C0023931, MONDO:0008146, OMIM 166200. Disease mechanism: loss of function.

gnomAD v4.1: 2 of 1,613,872 alleles (0.00012%); highest among the groups gnomAD compares: South Asian, 0.0011%; no homozygotes.

Submission:

Labcorp Genetics (formerly Invitae), Labcorp
Classification: Uncertain significance for Osteogenesis imperfecta type I; Ehlers-Danlos syndrome, classic type, 1. Last evaluated: 2024-02-17. Review status: criteria provided, single submitter. Criteria: Invitae Variant Classification Sherloc (09022015). Collection method: clinical testing. Allele origin: germline.
Comment: This sequence change replaces proline, which is neutral and non-polar, with serine, which is neutral and polar, at codon 219 of the COL1A2 protein (p.Pro219Ser). This variant is present in population databases (rs778499438, gnomAD 0.003%). This variant has not been reported in the literature in individuals affected with COL1A2-related conditions. Advanced modeling of protein sequence and biophysical properties (such as structural, functional, and spatial information, amino acid conservation, physicochemical variation, residue mobility, and thermodynamic stability) performed at Invitae indicates that this missense variant is not expected to disrupt COL1A2 protein function with a negative predictive value of 95%. In summary, the available evidence is currently insufficient to determine the role of this variant in disease. Therefore, it has been classified as a Variant of Uncertain Significance.